The following is an entry in ClinVar:

ClinVar aggregate classification (germline): Likely pathogenic (1 of 4 stars; one submission).

Conditions:
Autosomal recessive congenital ichthyosis 1 (LI1). Also called: COLLODION FETUS; DESQUAMATION OF NEWBORN; ICHTHYOSIS CONGENITA; ICHTHYOSIS CONGENITA II; LAMELLAR EXFOLIATION OF NEWBORN; ICHTHYOSIS, CONGENITAL, AUTOSOMAL RECESSIVE 1, WITH BATHING SUIT DISTRIBUTION. Identifiers: MedGen C4551630, MONDO:0009441, OMIM 242300.

Submission:

Natera, Inc.
Classification: Likely pathogenic for Autosomal recessive congenital ichthyosis type 1. Last evaluated: 2024-03-15. Review status: criteria provided, single submitter. Criteria: Natera Variant Classification Schema (03/2026). Collection method: clinical testing. Allele origin: germline.
Comment: The c.1576dupC variant in TGM1 is a frameshift variant predicted to shift the reading frame beginning at codon 526 and leads to a stop codon 20 codons downstream. This variant is expected to result in nonsense mediated decay, truncation, or a dysfunctional protein product. This variant is rare in the general population with a frequency below the threshold expected for the associated phenotype(s). Given the available evidence, this variant is classified as Likely Pathogenic.

NM_000359.3(TGM1):c.1576dup (p.Leu526fs)

Gene: TGM1 (transglutaminase 1; minus strand). Cytogenetic location: 14q12.
Variant type: Duplication.
Coding change: c.1576dup on transcript NM_000359.3 (MANE Select); coding-DNA position 1576, one base duplicated (C; older notation c.1576dupC).
Protein change: p.Leu526fs; shifts the reading frame from leucine 526.
Molecular consequence: frameshift variant.
Genome position (GRCh38, 1-based): chr14:24,255,433, G duplicated on the plus strand (C on the coding strand, the reverse complement: TGM1 is on the minus strand). VCF-style (leftmost placement, unchanged base first): chr14-24255432-A-AG. GRCh37 (hg19) VCF-style: chr14-24724638-A-AG.
Other names: short protein forms L526fs.
Identifiers: ClinVar variation 4818263 (VCV004818263.1).
Genomic context (GRCh38, chr14:24,255,432, plus strand): 5'-TGCTTATAGAGGTAGGTGATGTCCTCCCGCATGTTGGAGCTGATGGCCTTTGTGACAATG[A>AG]GTGTGCCGATGGCCTTCTCCTCCACATAAACAATCTTGAAGCTGCCATCATCCTGCCGCT-3'